The following is an entry in ClinVar:

ClinVar aggregate classification (germline): Uncertain significance (1 of 4 stars; one submission).

Allele frequency attached by ClinVar (database versions not stated): gnomAD exomes below 0.00001; TOPMed 0.00001.
gnomAD v4.1: 2 of 1,613,678 alleles (0.00012%); highest among the groups gnomAD compares: Admixed American, 0.0033%; no homozygotes.

Submission:

GeneDx
Classification: Uncertain significance. Last evaluated: 2023-05-17. Review status: criteria provided, single submitter. Criteria: GeneDx Variant Classification Process June 2021. Collection method: clinical testing. Allele origin: germline. Affected: yes.
Comment: Not observed at significant frequency in large population cohorts (gnomAD); In silico analysis supports that this missense variant does not alter protein structure/function; Has not been previously published as pathogenic or benign to our knowledge

NM_018129.4(PNPO):c.586C>G (p.Gln196Glu)

Gene: PNPO (pyridoxamine 5'-phosphate oxidase; plus strand). Cytogenetic location: 17q21.32.
Variant type: single nucleotide variant.
Coding change: c.586C>G on transcript NM_018129.4 (MANE Select); coding-DNA position 586, C replaced by G.
Protein change: p.Gln196Glu; replaces glutamine 196 with glutamic acid.
Molecular consequence: missense variant.
Genome position (GRCh38, 1-based): chr17:47,946,362, C>G. VCF-style: chr17-47946362-C-G. GRCh37 (hg19) VCF-style: chr17-46023728-C-G.
Other names: short protein forms Q196E.
Identifiers: ClinVar variation 1308500 (VCV001308500.3), dbSNP rs1445550737, ClinGen allele CA400061430.
Genomic context (GRCh38, chr17:47,946,362, plus strand): 5'-CTAACTCTTCCCCCTGGACAGTATCTGAGAAAGAAAAATGAGGAACTGGAACAGCTCTAC[C>G]AGGATCAAGAGGTGCCCAAGCCAAAATCCTGGTGAGTGACATCTGGTAGTCCTCTAGAAA-3'
Protein context (NP_060599.1, residues 186-206): KKNEELEQLY[Gln196Glu]DQEVPKPKSW